The following is an entry in ClinVar:

NM_004944.4(DNASE1L3):c.172A>T (p.Met58Leu)

Gene: DNASE1L3 (deoxyribonuclease 1L3; minus strand). Cytogenetic location: 3p14.3.
Variant type: single nucleotide variant.
Coding change: c.172A>T on transcript NM_004944.4 (MANE Select); coding-DNA position 172, A replaced by T.
Protein change: p.Met58Leu; replaces methionine 58 with leucine.
Molecular consequence: missense variant.
Genome position (GRCh38, 1-based): chr3:58,208,276, T>A on the plus strand (A>T on the coding strand, the complement: DNASE1L3 is on the minus strand). VCF-style: chr3-58208276-T-A. GRCh37 (hg19) VCF-style: chr3-58194003-T-A.
Other names: c.172A>T, p.Met58Leu (NM_001256560.2); short protein forms M58L.
Identifiers: ClinVar variation 2634137 (VCV002634137.1), dbSNP rs1262332046, ClinGen allele CA353341024.
Genomic context (GRCh38, chr3:58,208,276, plus strand): 5'-ACCTGTTCAGCTTCTCCATCAGTATGGGGCAGATCCTGTTGTTGCTGTCCTTGATTTCCA[T>A]CACGAGTATGATGTCACAGCGTTTGATGACCTGCAAGAAAGAGAATTCCCAGGGGTTTGA-3'
Protein context (NP_004935.1, residues 48-68): VIKRCDIILV[Met58Leu]EIKDSNNRIC

ClinVar aggregate classification (germline): Uncertain significance (1 of 4 stars; one submission).

Conditions:
DNASE1L3-related disorder. Also called: DNASE1L3-related condition.

Allele frequency attached by ClinVar (database versions not stated): gnomAD 0.00004.
gnomAD v4.1: 79 of 1,614,108 alleles (0.0049%); highest among the groups gnomAD compares: Non-Finnish European, 0.0065%; no homozygotes.

Submission:

PreventionGenetics, part of Exact Sciences
Classification: Uncertain significance for DNASE1L3-related condition. Last evaluated: 2023-04-16. Review status: criteria provided, single submitter. Criteria: ACMG Guidelines, 2015. Collection method: clinical testing. Allele origin: germline.
Comment: The DNASE1L3 c.172A>T variant is predicted to result in the amino acid substitution p.Met58Leu. To our knowledge, this variant has not been reported in the literature. This variant is reported in 0.00088% of alleles in individuals of European (Non-Finnish) descent in gnomAD. At this time, the clinical significance of this variant is uncertain due to the absence of conclusive functional and genetic evidence.